The following is an entry in ClinVar:

ClinVar aggregate classification (germline): Uncertain significance (0 of 4 stars; one submission).

Submission:

Laboratory for Molecular Medicine, Mass General Brigham Personalized Medicine
Classification: Uncertain significance. Last evaluated: 2013-01-30. Review status: no assertion criteria provided. Collection method: clinical testing. Allele origin: germline. Observed: 1 variant allele.
Comment: proposed classification - variant undergoing re-assessment, contact laboratory

NM_000432.4(MYL2):c.392C>G (p.Ser131Cys)

Gene: MYL2 (myosin light chain 2; minus strand). Cytogenetic location: 12q24.11.
Variant type: single nucleotide variant.
Coding change: c.392C>G on transcript NM_000432.4 (MANE Select); coding-DNA position 392, C replaced by G.
Protein change: p.Ser131Cys; replaces serine 131 with cysteine.
Molecular consequence: missense variant.
Genome position (GRCh38, 1-based): chr12:110,913,106, G>C on the plus strand (C>G on the coding strand, the complement: MYL2 is on the minus strand). VCF-style: chr12-110913106-G-C. GRCh37 (hg19) VCF-style: chr12-111350910-G-C.
Other names: short protein forms S131C.
Identifiers: ClinVar variation 177849 (VCV000177849.4), dbSNP rs727504357, ClinGen allele CA010270.
Genomic context (GRCh38, chr12:110,913,106, plus strand): 5'-AGGAGAACCCAGGAGCTGGGTTAGAGGGAGTGCTTGAAGGACCCCATTACCTCCTCCTTG[G>C]AAAACCTCTCCGCCTGCGTGGTCAGCATTTCCCGAACGCTGCAGAGAAAGGAAAGCAGGT-3'
Protein context (NP_000423.2, residues 121-141): EMLTTQAERF[Ser131Cys]KEEVDQMFAA